The following is an entry in ClinVar:

ClinVar aggregate classification (germline): Uncertain significance. Review status: criteria provided, multiple submitters, no conflicts (2 of 4 stars). 2 submissions from 2 submitters: Uncertain significance (2). Last evaluated 2025-11-10.

Conditions:
Leber congenital amaurosis 1 (LCA1). Also called: Congenital absence of the rods and cones; Leber's congenital tapetoretinal degeneration; Leber's congenital tapetoretinal dysplasia; RETINAL BLINDNESS, CONGENITAL; AMAUROSIS CONGENITA OF LEBER I. Identifiers: Orphanet 65, MedGen C2931258, MONDO:0008764, OMIM 204000.
Cone-rod dystrophy 6 (CORD6). Also called: RETINAL CONE DYSTROPHY 2; Cone dystrophy progressive. Identifiers: Orphanet 1872, MedGen C1866293, MONDO:0011143, OMIM 601777.

Allele frequency attached by ClinVar (database versions not stated): gnomAD exomes below 0.00001; gnomAD 0.00001.

Submissions (2):

Labcorp Genetics (formerly Invitae), Labcorp
Classification: Uncertain significance for Leber congenital amaurosis 1; Cone-rod dystrophy 6. Last evaluated: 2025-11-10. Review status: criteria provided, single submitter. Criteria: Invitae Variant Classification Sherloc (09022015). Collection method: clinical testing. Allele origin: germline.
Comment: This sequence change replaces serine, which is neutral and polar, with proline, which is neutral and non-polar, at codon 860 of the GUCY2D protein (p.Ser860Pro). This variant is present in population databases (no rsID available, gnomAD 0.007%). This variant has not been reported in the literature in individuals affected with GUCY2D-related conditions. ClinVar contains an entry for this variant (Variation ID: 1055742). An algorithm developed to predict the effect of missense changes on protein structure and function (PolyPhen-2) suggests that this variant is likely to be tolerated. In summary, the available evidence is currently insufficient to determine the role of this variant in disease. Therefore, it has been classified as a Variant of Uncertain Significance.

Blueprint Genetics
Classification: Uncertain significance. Last evaluated: 2022-09-22. Review status: criteria provided, single submitter. Criteria: ACMG Guidelines, 2015. Collection method: clinical testing. Allele origin: germline.

NM_000180.4(GUCY2D):c.2578T>C (p.Ser860Pro)

Gene: GUCY2D (guanylate cyclase 2D, retinal; plus strand). Cytogenetic location: 17p13.1.
Variant type: single nucleotide variant.
Coding change: c.2578T>C on transcript NM_000180.4 (MANE Select); coding-DNA position 2578, T replaced by C.
Protein change: p.Ser860Pro; replaces serine 860 with proline.
Molecular consequence: missense variant.
Genome position (GRCh38, 1-based): chr17:8,014,860, T>C. VCF-style: chr17-8014860-T-C. GRCh37 (hg19) VCF-style: chr17-7918178-T-C.
Other names: short protein forms S860P.
Identifiers: ClinVar variation 1055742 (VCV001055742.8), dbSNP rs1214999566, ClinGen allele CA397953863.